The following is an entry in ClinVar:

NM_000268.4(NF2):c.710A>T (p.Asp237Val)

Gene: NF2 (NF2, moesin-ezrin-radixin like (MERLIN) tumor suppressor; plus strand). Cytogenetic location: 22q12.2.
Variant type: single nucleotide variant.
Coding change: c.710A>T on transcript NM_000268.4 (MANE Select); coding-DNA position 710, A replaced by T.
Protein change: p.Asp237Val; replaces aspartic acid 237 with valine.
Molecular consequence: missense variant. On other transcripts: non-coding transcript variant (1), intron variant (4).
Genome position (GRCh38, 1-based): chr22:29,661,239, A>T. VCF-style: chr22-29661239-A-T. GRCh37 (hg19) VCF-style: chr22-30057228-A-T.
Other names: c.596A>T, p.Asp199Val (NM_001407053.1, NM_001407056.1); c.587A>T, p.Asp196Val (NM_001407054.1, NM_001407058.1, NM_181829.3); c.584A>T, p.Asp195Val (NM_001407055.1, NM_181828.3); c.710A>T, p.Asp237Val (NM_001407060.1, NM_001407066.1, NM_016418.5 and 2 more transcripts); c.461A>T, p.Asp154Val (NM_001407063.1, NM_001407064.1, NM_181830.3 and 1 more transcripts); c.176A>T, p.Asp59Val (NM_001407065.1); c.479A>T, p.Asp160Val (NM_001407067.1); c.675+2975A>T (NM_001407059.1, NM_001407057.1); and 2 more; short protein forms D160V, D199V, D237V, D59V, D195V, D196V, D154V.
Identifiers: ClinVar variation 3657020 (VCV003657020.2).

ClinVar aggregate classification (germline): Uncertain significance (1 of 4 stars; one submission).

Conditions:
Neurofibromatosis, type 2 (SWNV). Also called: BILATERAL ACOUSTIC NEUROFIBROMATOSIS; SCHWANNOMATOSIS, VESTIBULAR; NF2-Related Schwannomatosis. Identifiers: Orphanet 637, MedGen C0027832, MONDO:0007039, OMIM 101000. Disease mechanism: loss of function.

Submission:

Labcorp Genetics (formerly Invitae), Labcorp
Classification: Uncertain significance for Neurofibromatosis, type 2. Last evaluated: 2024-06-19. Review status: criteria provided, single submitter. Criteria: Invitae Variant Classification Sherloc (09022015). Collection method: clinical testing. Allele origin: germline.
Comment: This sequence change replaces aspartic acid, which is acidic and polar, with valine, which is neutral and non-polar, at codon 237 of the NF2 protein (p.Asp237Val). This variant is not present in population databases (gnomAD no frequency). This variant has not been reported in the literature in individuals affected with NF2-related conditions. Advanced modeling of protein sequence and biophysical properties (such as structural, functional, and spatial information, amino acid conservation, physicochemical variation, residue mobility, and thermodynamic stability) performed at Invitae indicates that this missense variant is expected to disrupt NF2 protein function with a positive predictive value of 80%. In summary, the available evidence is currently insufficient to determine the role of this variant in disease. Therefore, it has been classified as a Variant of Uncertain Significance.